The following is an entry in ClinVar:

NM_024426.6(WT1):c.747C>G (p.Phe249Leu)

Gene: WT1 (WT1 transcription factor; minus strand). Cytogenetic location: 11p13.
Variant type: single nucleotide variant.
Coding change: c.747C>G on transcript NM_024426.6 (MANE Select); coding-DNA position 747, C replaced by G.
Protein change: p.Phe249Leu; replaces phenylalanine 249 with leucine.
Molecular consequence: missense variant. On other transcripts: non-coding transcript variant (1).
Genome position (GRCh38, 1-based): chr11:32,428,534, G>C on the plus strand (C>G on the coding strand, the complement: WT1 is on the minus strand). VCF-style: chr11-32428534-G-C. GRCh37 (hg19) VCF-style: chr11-32450080-G-C.
Other names: c.747C>G, p.Phe249Leu (NM_000378.6, NM_001407044.1, NM_001407045.1 and 4 more transcripts); c.96C>G, p.Phe32Leu (NM_001198551.2, NM_001198552.2); c.-16C>G (NM_001407051.1); c.732C>G, p.Phe244Leu (NM_024425.2); short protein forms F32L, F249L.
Identifiers: ClinVar variation 406696 (VCV000406696.12), dbSNP rs1060501259, ClinGen allele CA16613570.

ClinVar aggregate classification (germline): Uncertain significance (1 of 4 stars; one submission).

Conditions:
Wilms tumor 1 (WT1). Also called: Wilms tumor, somatic. Identifiers: Orphanet 654, MedGen CN033288, MONDO:0008679, OMIM 194070.
Frasier syndrome. Identifiers: Orphanet 347, MedGen C0950122, MeSH D052159, MONDO:0007635, OMIM 136680.
Drash syndrome (DDS). Also called: NEPHROPATHY, WILMS TUMOR, AND GENITAL ANOMALIES; WILMS TUMOR AND PSEUDO- OR TRUE HERMAPHRODITISM. Identifiers: Orphanet 220, MedGen C0950121, MONDO:0008682, OMIM 194080.
11p partial monosomy syndrome (WAGR). Also called: CHROMOSOME 11p13 DELETION SYNDROME; WAGR syndrome; WAGR Complex; WAGR Spectrum Disorder. Identifiers: Orphanet 893, MedGen C0206115, MONDO:0008681, OMIM 194072.

gnomAD v4.1: 1 of 1,614,160 alleles (0.000062%); no homozygotes.

Submission:

Labcorp Genetics (formerly Invitae), Labcorp
Classification: Uncertain significance for Wilms tumor 1; Drash syndrome; 11p partial monosomy syndrome; Frasier syndrome. Last evaluated: 2022-05-27. Review status: criteria provided, single submitter. Criteria: Invitae Variant Classification Sherloc (09022015). Collection method: clinical testing. Allele origin: germline.
Comment: This sequence change replaces phenylalanine, which is neutral and non-polar, with leucine, which is neutral and non-polar, at codon 244 of the WT1 protein (p.Phe244Leu). This variant is not present in population databases (gnomAD no frequency). This variant has not been reported in the literature in individuals affected with WT1-related conditions. ClinVar contains an entry for this variant (Variation ID: 406696). Algorithms developed to predict the effect of missense changes on protein structure and function (SIFT, PolyPhen-2, Align-GVGD) all suggest that this variant is likely to be tolerated. In summary, the available evidence is currently insufficient to determine the role of this variant in disease. Therefore, it has been classified as a Variant of Uncertain Significance.